The following is an entry in ClinVar:

ClinVar aggregate classification (germline): Likely benign. Review status: criteria provided, multiple submitters, no conflicts (2 of 4 stars). 3 submissions from 3 submitters: Likely benign (3). Last evaluated 2026-05-04.

Conditions:
TUBB4B-related disorder. Also called: TUBB4B-related condition.

Allele frequency attached by ClinVar (database versions not stated): ExAC 0.00012; 1000 Genomes Project 30x 0.00016; 1000 Genomes Project 0.00020; ESP Exome Variant Server 0.00031.
gnomAD v4.1: 172 of 1,613,702 alleles (0.011%); highest among the groups gnomAD compares: African/African-American, 0.025%; no homozygotes.

Submissions (3):

PreventionGenetics, part of Exact Sciences
Classification: Likely benign for TUBB4B-related condition. Last evaluated: 2026-05-04. Review status: criteria provided, single submitter. Criteria: ACMG Guidelines, 2015. Collection method: clinical testing. Allele origin: germline.
Comment: This variant is classified as likely benign based on ACMG/AMP sequence variant interpretation guidelines (Richards et al. 2015 PMID: 25741868, with internal and published modifications).

Labcorp Genetics (formerly Invitae), Labcorp
Classification: Likely benign. Last evaluated: 2024-10-23. Review status: criteria provided, single submitter. Criteria: Invitae Variant Classification Sherloc (09022015). Collection method: clinical testing. Allele origin: germline.

Blueprint Genetics
Classification: Likely benign. Last evaluated: 2024-01-04. Review status: criteria provided, single submitter. Criteria: ACMG Guidelines, 2015. Collection method: clinical testing. Allele origin: germline.

NM_006088.6(TUBB4B):c.1233C>T (p.Ala411=)

Gene: TUBB4B (tubulin beta 4B class IVb; plus strand). Cytogenetic location: 9q34.3.
Variant type: single nucleotide variant.
Coding change: c.1233C>T on transcript NM_006088.6 (MANE Select); coding-DNA position 1233, C replaced by T.
Protein change: p.Ala411=; no amino-acid change (alanine 411 retained).
Molecular consequence: synonymous variant.
Genome position (GRCh38, 1-based): chr9:137,243,451, C>T. VCF-style: chr9-137243451-C-T. GRCh37 (hg19) VCF-style: chr9-140137903-C-T.
Other names: c.1233C>T (NM_006088.5).
Identifiers: ClinVar variation 2750565 (VCV002750565.5), dbSNP rs141667615, ClinGen allele CA5365488.
Genomic context (GRCh38, chr9:137,243,451, plus strand): 5'-CAAGGCCTTCCTGCACTGGTACACGGGCGAGGGCATGGACGAGATGGAGTTCACCGAGGC[C>T]GAGAGCAACATGAATGACCTGGTGTCCGAGTACCAGCAGTACCAGGATGCCACAGCCGAG-3'
Protein context (NP_006079.1, residues 401-421): EGMDEMEFTE[Ala411=]ESNMNDLVSE